The following is an entry in ClinVar:

ClinVar aggregate classification (germline): Uncertain significance. Review status: criteria provided, multiple submitters, no conflicts (2 of 4 stars). 2 submissions from 2 submitters: Uncertain significance (2). Last evaluated 2025-12-09.

Conditions:
Hereditary cancer-predisposing syndrome. Also called: Tumor predisposition; Hereditary neoplastic syndrome; Neoplastic Syndromes, Hereditary; Hereditary Cancer Syndrome. Identifiers: Orphanet 140162, MedGen C0027672, MeSH D009386, MONDO:0015356.
DICER1-related tumor predisposition. Also called: DICER1 syndrome; DICER1-related pleuropulmonary blastoma cancer predisposition syndrome. Identifiers: Orphanet 284343, MedGen C3839822, MONDO:0100216.

Allele frequency attached by ClinVar (database versions not stated): TOPMed 0.00001.

Submissions (2):

Ambry Genetics
Classification: Uncertain significance for Hereditary cancer-predisposing syndrome. Last evaluated: 2025-12-09. Review status: criteria provided, single submitter. Criteria: Ambry Variant Classification Scheme 2023. Collection method: clinical testing. Allele origin: germline.
Comment: The p.H703R variant (also known as c.2108A>G), located in coding exon 12 of the DICER1 gene, results from an A to G substitution at nucleotide position 2108. The histidine at codon 703 is replaced by arginine, an amino acid with highly similar properties. This amino acid position is highly conserved in available vertebrate species. In addition, the in silico prediction for this alteration is inconclusive. Based on the available evidence, the clinical significance of this variant remains unclear.

Labcorp Genetics (formerly Invitae), Labcorp
Classification: Uncertain significance for DICER1-related tumor predisposition. Last evaluated: 2021-05-25. Review status: criteria provided, single submitter. Criteria: Invitae Variant Classification Sherloc (09022015). Collection method: clinical testing. Allele origin: germline.
Comment: Algorithms developed to predict the effect of missense changes on protein structure and function (SIFT, PolyPhen-2, Align-GVGD) all suggest that this variant is likely to be disruptive, but these predictions have not been confirmed by published functional studies and their clinical significance is uncertain. This variant has not been reported in the literature in individuals with DICER1-related conditions. This variant is not present in population databases (ExAC no frequency). This sequence change replaces histidine with arginine at codon 703 of the DICER1 protein (p.His703Arg). The histidine residue is highly conserved and there is a small physicochemical difference between histidine and arginine. In summary, the available evidence is currently insufficient to determine the role of this variant in disease. Therefore, it has been classified as a Variant of Uncertain Significance.

NM_177438.3(DICER1):c.2108A>G (p.His703Arg)

Gene: DICER1 (dicer 1, ribonuclease III; minus strand). Cytogenetic location: 14q32.13.
Variant type: single nucleotide variant.
Coding change: c.2108A>G on transcript NM_177438.3 (MANE Select); coding-DNA position 2108, A replaced by G.
Protein change: p.His703Arg; replaces histidine 703 with arginine.
Molecular consequence: missense variant.
Genome position (GRCh38, 1-based): chr14:95,112,180, T>C on the plus strand (A>G on the coding strand, the complement: DICER1 is on the minus strand). VCF-style: chr14-95112180-T-C. GRCh37 (hg19) VCF-style: chr14-95578517-T-C.
Other names: c.2108A>G, p.His703Arg (NM_001195573.1, NM_001271282.3, NM_001291628.2 and 1 more transcripts); short protein forms H703R.
Identifiers: ClinVar variation 1499636 (VCV001499636.12), dbSNP rs1892029300, ClinGen allele CA390883004.